The following is an entry in ClinVar:

ClinVar aggregate classification (germline): Uncertain significance (1 of 4 stars; one submission).

gnomAD v4.1: 31 of 1,614,068 alleles (0.0019%); highest among the groups gnomAD compares: African/African-American, 0.0027%; no homozygotes.

Submission:

GeneDx
Classification: Uncertain significance. Last evaluated: 2025-01-15. Review status: criteria provided, single submitter. Criteria: GeneDx Variant Classification Process June 2021. Collection method: clinical testing. Allele origin: germline. Affected: yes.
Comment: Has not been previously published as pathogenic or benign to our knowledge; In silico analysis suggests this variant may impact gene splicing. In the absence of RNA/functional studies, the actual effect of this sequence change is unknown.

NM_021939.4(FKBP10):c.1131G>A (p.Ala377=)

Gene: FKBP10 (FKBP prolyl isomerase 10; plus strand). Cytogenetic location: 17q21.2.
Variant type: single nucleotide variant.
Coding change: c.1131G>A on transcript NM_021939.4 (MANE Select); coding-DNA position 1131, G replaced by A.
Protein change: p.Ala377=; no amino-acid change (alanine 377 retained).
Molecular consequence: synonymous variant.
Genome position (GRCh38, 1-based): chr17:41,820,336, G>A. VCF-style: chr17-41820336-G-A. GRCh37 (hg19) VCF-style: chr17-39976588-G-A.
Identifiers: ClinVar variation 4070594 (VCV004070594.1).
Genomic context (GRCh38, chr17:41,820,336, plus strand): 5'-GATCCCTGGCTCTGCCGTGCTAATCTTCAACGTCCATGTCATTGACTTCCACAACCCTGC[G>A]GATGTGGTGGAAATCAGGACACTGTCCCGGCCATCTGAGACCTGCAATGAGACCACCAAG-3'
Protein context (NP_068758.3, residues 367-387): NVHVIDFHNP[Ala377=]DVVEIRTLSR